The following is an entry in ClinVar:

ClinVar aggregate classification (germline): Uncertain significance (1 of 4 stars; one submission).

Conditions:
Perlman syndrome (PRLMNS). Identifiers: Orphanet 2849, MedGen C0796113, MONDO:0009965, OMIM 267000.

Submission:

Labcorp Genetics (formerly Invitae), Labcorp
Classification: Uncertain significance for Perlman syndrome. Last evaluated: 2021-02-24. Review status: criteria provided, single submitter. Criteria: Invitae Variant Classification Sherloc (09022015). Collection method: clinical testing. Allele origin: germline.
Comment: This sequence change replaces asparagine with tyrosine at codon 184 of the DIS3L2 protein (p.Asn184Tyr). The asparagine residue is weakly conserved and there is a large physicochemical difference between asparagine and tyrosine. This variant is not present in population databases (ExAC no frequency). This variant has not been reported in the literature in individuals with DIS3L2-related conditions. Algorithms developed to predict the effect of missense changes on protein structure and function (SIFT, PolyPhen-2, Align-GVGD) all suggest that this variant is likely to be tolerated, but these predictions have not been confirmed by published functional studies and their clinical significance is uncertain. In summary, the available evidence is currently insufficient to determine the role of this variant in disease. Therefore, it has been classified as a Variant of Uncertain Significance.

NM_152383.5(DIS3L2):c.550A>T (p.Asn184Tyr)

Gene: DIS3L2 (DIS3 like 3'-5' exoribonuclease 2; plus strand). Cytogenetic location: 2q37.1.
Variant type: single nucleotide variant.
Coding change: c.550A>T on transcript NM_152383.5 (MANE Select); coding-DNA position 550, A replaced by T.
Protein change: p.Asn184Tyr; replaces asparagine 184 with tyrosine.
Molecular consequence: missense variant. On other transcripts: non-coding transcript variant (2).
Genome position (GRCh38, 1-based): chr2:232,087,670, A>T. VCF-style: chr2-232087670-A-T. GRCh37 (hg19) VCF-style: chr2-232952380-A-T.
Other names: c.550A>T, p.Asn184Tyr (NM_001257281.2, NM_001257282.2); short protein forms N184Y.
Identifiers: ClinVar variation 1496009 (VCV001496009.8), dbSNP rs2106309626, ClinGen allele CA351155229.